The following is an entry in ClinVar:

NM_000222.3(KIT):c.1430C>T (p.Ser477Phe)

Gene: KIT (KIT proto-oncogene, receptor tyrosine kinase; plus strand). Cytogenetic location: 4q12.
Variant type: single nucleotide variant.
Coding change: c.1430C>T on transcript NM_000222.3 (MANE Select); coding-DNA position 1430, C replaced by T.
Protein change: p.Ser477Phe; replaces serine 477 with phenylalanine.
Molecular consequence: missense variant.
Genome position (GRCh38, 1-based): chr4:54,725,940, C>T. VCF-style: chr4-54725940-C-T. GRCh37 (hg19) VCF-style: chr4-55592106-C-T.
Other names: c.1430C>T, p.Ser477Phe (NM_001093772.2, NM_001385285.1, NM_001385286.1); c.1433C>T, p.Ser478Phe (NM_001385284.1, NM_001385288.1, NM_001385290.1 and 1 more transcripts); c.1430C>T (NM_000222.2); short protein forms S478F, S477F.
Identifiers: ClinVar variation 1444888 (VCV001444888.7), dbSNP rs2109768879, ClinGen allele CA356906379.
Genomic context (GRCh38, chr4:54,725,940, plus strand): 5'-TGGATGTGCAGACACTAAACTCATCTGGGCCACCGTTTGGAAAGCTAGTGGTTCAGAGTT[C>T]TATAGATTCTAGTGCATTCAAGCACAATGGCACGGTTGAATGTAAGGCTTACAACGATGT-3'
Protein context (NP_000213.1, residues 467-487): PPFGKLVVQS[Ser477Phe]IDSSAFKHNG

ClinVar aggregate classification (germline): Conflicting classifications of pathogenicity. Review status: criteria provided, conflicting classifications (1 of 4 stars). 2 submissions from 2 submitters: Uncertain significance (1); Likely benign (1). Last evaluated 2026-03-11.

Conditions:
Gastrointestinal stromal tumor. Also called: Gastrointestinal stroma tumor; Gastrointestinal stromal tumor, somatic. Identifiers: Orphanet 44890, MedGen C0238198, MeSH D046152, MONDO:0011719, OMIM 606764, HP:0100723.
Hereditary cancer-predisposing syndrome. Also called: Hereditary neoplastic syndrome; Tumor predisposition; Hereditary Cancer Syndrome; Neoplastic Syndromes, Hereditary. Identifiers: Orphanet 140162, MedGen C0027672, MeSH D009386, MONDO:0015356.

Submissions (2):

Ambry Genetics
Classification: Likely benign for Hereditary cancer-predisposing syndrome. Last evaluated: 2026-03-11. Review status: criteria provided, single submitter. Criteria: Ambry Variant Classification Scheme 2023. Collection method: clinical testing. Allele origin: germline.

Labcorp Genetics (formerly Invitae), Labcorp
Classification: Uncertain significance for Gastrointestinal stromal tumor. Last evaluated: 2022-01-31. Review status: criteria provided, single submitter. Criteria: Invitae Variant Classification Sherloc (09022015). Collection method: clinical testing. Allele origin: germline.
Comment: Algorithms developed to predict the effect of missense changes on protein structure and function are either unavailable or do not agree on the potential impact of this missense change (SIFT: "Deleterious"; PolyPhen-2: "Probably Damaging"; Align-GVGD: "Class C0"). In summary, the available evidence is currently insufficient to determine the role of this variant in disease. Therefore, it has been classified as a Variant of Uncertain Significance. This variant has not been reported in the literature in individuals affected with KIT-related conditions. This variant is not present in population databases (gnomAD no frequency). This sequence change replaces serine, which is neutral and polar, with phenylalanine, which is neutral and non-polar, at codon 477 of the KIT protein (p.Ser477Phe).